The following is an entry in ClinVar:

NM_000452.3(SLC10A2):c.516C>T (p.Leu172=)

Gene: SLC10A2 (solute carrier family 10 member 2; minus strand). Cytogenetic location: 13q33.1.
Variant type: single nucleotide variant.
Coding change: c.516C>T on transcript NM_000452.3 (MANE Select); coding-DNA position 516, C replaced by T.
Protein change: p.Leu172=; no amino-acid change (leucine 172 retained).
Molecular consequence: synonymous variant.
Genome position (GRCh38, 1-based): chr13:103,052,689, G>A on the plus strand (C>T on the coding strand, the complement: SLC10A2 is on the minus strand). VCF-style: chr13-103052689-G-A. GRCh37 (hg19) VCF-style: chr13-103705039-G-A.
Other names: p.Leu172=.
Identifiers: ClinVar variation 500383 (VCV000500383.15), dbSNP rs114146899, ClinGen allele CA7042172.

ClinVar aggregate classification (germline): Benign/Likely benign. Review status: criteria provided, multiple submitters, no conflicts (2 of 4 stars). 5 submissions from 5 submitters: Benign (1); Likely benign (4). Last evaluated 2026-01-26.

Allele frequency attached by ClinVar (database versions not stated): gnomAD exomes 0.00055; ExAC 0.00059; gnomAD 0.00201; ESP Exome Variant Server 0.00246; TOPMed 0.00258; 1000 Genomes Project 0.00260; 1000 Genomes Project 30x 0.00265.

Submissions (5):

Labcorp Genetics (formerly Invitae), Labcorp
Classification: Benign. Last evaluated: 2026-01-26. Review status: criteria provided, single submitter. Criteria: Invitae Variant Classification Sherloc (09022015). Collection method: clinical testing. Allele origin: germline.

Mayo Clinic Laboratories, Mayo Clinic
Classification: Likely benign. Last evaluated: 2025-10-16. Review status: criteria provided, single submitter. Criteria: ACMG Guidelines, 2015. Collection method: clinical testing. Allele origin: germline. Observed: 1 variant allele.
Comment: BP4, BP7

Blueprint Genetics
Classification: Likely benign. Last evaluated: 2024-10-22. Review status: criteria provided, single submitter. Criteria: ACMG Guidelines, 2015. Collection method: clinical testing. Allele origin: germline.

Eurofins Ntd Llc (ga)
Classification: Likely benign. Last evaluated: 2017-02-08. Review status: criteria provided, single submitter. Criteria: EGL Classification Definitions 2015. Collection method: clinical testing. Allele origin: germline. Observed: 1 variant allele, 1 heterozygote.

Breakthrough Genomics
Classification: Likely benign. Review status: criteria provided, single submitter. Criteria: ACMG Guidelines, 2015. Collection method: not provided. Allele origin: germline. Inheritance: Autosomal recessive inheritance. Affected: yes.